The following is an entry in ClinVar:

ClinVar aggregate classification (germline): Uncertain significance. Review status: criteria provided, multiple submitters, no conflicts (2 of 4 stars). 9 submissions from 9 submitters: Uncertain significance (9). Last evaluated 2026-08-27.

Conditions:
Hereditary cancer-predisposing syndrome. Also called: Hereditary neoplastic syndrome; Hereditary Cancer Syndrome; Neoplastic Syndromes, Hereditary; Tumor predisposition. Identifiers: Orphanet 140162, MedGen C0027672, MeSH D009386, MONDO:0015356.
Autosomal recessive nonsyndromic hearing loss 97. Also called: Deafness, autosomal recessive 97. Identifiers: Orphanet 90636, MedGen C4084709, MONDO:0014739, OMIM 616705.
Hepatocellular carcinoma (HCC). Also called: Primary carcinoma of liver; HEPATOMA; LIVER CELL CARCINOMA. Identifiers: Orphanet 88673, MedGen C2239176, MONDO:0007256, OMIM 114550, HP:0001402.
Osteofibrous dysplasia (OSFD). Also called: Tibia, bowing of, with pseudarthrosis and pectus excavatum. Identifiers: Orphanet 488265, MedGen C4085248, MONDO:0011806, OMIM 607278.
Papillary renal cell carcinoma type 1 (RCCP1). Also called: RENAL CELL CARCINOMA, PAPILLARY, 1, SOMATIC; Renal adenocarcinoma; Renal cell carcinoma 1; Renal cell carcinoma, somatic. Identifiers: Orphanet 47044, MedGen C1336839, OMIM 605074, HP:0011797.
Arthrogryposis, distal, IIa 11. Also called: Arthrogryposis, distal, type 11. Identifiers: MedGen C5774205, MONDO:0031045, OMIM 620019.
MET-related disorder. Also called: MET-related condition.
Renal cell carcinoma. Identifiers: Orphanet 217071, MedGen C0007134, MeSH D002292, MONDO:0005086, HP:0005584.

Allele frequency attached by ClinVar (database versions not stated): gnomAD 0.00001; gnomAD exomes 0.00001; TOPMed 0.00003.
gnomAD v4.1: 23 of 1,614,112 alleles (0.0014%); highest among the groups gnomAD compares: Middle Eastern, 0.13%; no homozygotes.

Submissions (9):

PreventionGenetics, part of Exact Sciences
Classification: Uncertain significance for MET-related condition. Last evaluated: 2026-08-27. Review status: criteria provided, single submitter. Criteria: ACMG Guidelines, 2015. Collection method: clinical testing. Allele origin: germline.
Comment: The MET c.1477G>C variant is predicted to result in the amino acid substitution p.Glu493Gln. To our knowledge, this variant has not been reported in the literature. This variant has been reported in one heterozygous individual within the "other" subpopulation in gnomAD v2. However, in gnomAD v4 (available only on GRCh38), this variant is reported in 0.13% of alleles in individuals of Middle Eastern decent. This variant is interpreted as variant of uncertain significance in ClinVar (Variation ID: 524856). At this time, the clinical significance of this variant is uncertain due to the absence of conclusive functional and genetic evidence.

Labcorp Genetics (formerly Invitae), Labcorp
Classification: Uncertain significance for Renal cell carcinoma. Last evaluated: 2025-12-23. Review status: criteria provided, single submitter. Criteria: Invitae Variant Classification Sherloc (09022015). Collection method: clinical testing. Allele origin: germline.
Comment: This sequence change replaces glutamic acid, which is acidic and polar, with glutamine, which is neutral and polar, at codon 493 of the MET protein (p.Glu493Gln). This variant is present in population databases (no rsID available, gnomAD no frequency). This variant has not been reported in the literature in individuals affected with MET-related conditions. ClinVar contains an entry for this variant (Variation ID: 524856). An algorithm developed to predict the effect of missense changes on protein structure and function outputs the following: PolyPhen-2: "Benign". The glutamine amino acid residue is found in multiple mammalian species, which suggests that this missense change does not adversely affect protein function. In summary, the available evidence is currently insufficient to determine the role of this variant in disease. Therefore, it has been classified as a Variant of Uncertain Significance.

Fulgent Genetics
Classification: Uncertain significance for Hepatocellular carcinoma; Papillary renal cell carcinoma type 1; Osteofibrous dysplasia; Autosomal recessive nonsyndromic hearing loss 97; Arthrogryposis, distal, IIa 11. Last evaluated: 2024-06-18. Review status: criteria provided, single submitter. Criteria: ACMG Guidelines, 2015. Collection method: clinical testing. Allele origin: germline.

Quest Diagnostics Nichols Institute San Juan Capistrano
Classification: Uncertain significance. Last evaluated: 2024-05-17. Review status: criteria provided, single submitter. Criteria: Quest Diagnostics criteria. Collection method: clinical testing. Allele origin: unknown.

GeneDx
Classification: Uncertain significance. Last evaluated: 2023-11-06. Review status: criteria provided, single submitter. Criteria: GeneDx Variant Classification Process June 2021. Collection method: clinical testing. Allele origin: germline.
Comment: Not observed at significant frequency in large population cohorts (gnomAD); In silico analysis supports that this missense variant does not alter protein structure/function; Has not been previously published as pathogenic or benign to our knowledge

Baylor Genetics
Classification: Uncertain significance for Autosomal recessive nonsyndromic hearing loss 97. Last evaluated: 2023-10-02. Review status: criteria provided, single submitter. Criteria: ACMG Guidelines, 2015. Collection method: clinical testing. Allele origin: unknown.

Ambry Genetics
Classification: Uncertain significance for Hereditary cancer-predisposing syndrome. Last evaluated: 2022-01-10. Review status: criteria provided, single submitter. Criteria: Ambry Variant Classification Scheme 2023. Collection method: clinical testing. Allele origin: germline.

Athena Diagnostics
Classification: Uncertain significance. Last evaluated: 2019-03-04. Review status: criteria provided, single submitter. Criteria: Athena Diagnostics Criteria. Collection method: clinical testing. Allele origin: germline.

Breakthrough Genomics
Classification: Uncertain significance. Review status: criteria provided, single submitter. Criteria: ACMG Guidelines, 2015. Collection method: not provided. Allele origin: germline. Inheritance: Autosomal recessive inheritance. Affected: yes.

NM_000245.4(MET):c.1477G>C (p.Glu493Gln)

Gene: MET (MET proto-oncogene, receptor tyrosine kinase; plus strand). Cytogenetic location: 7q31.2.
Variant type: single nucleotide variant.
Coding change: c.1477G>C on transcript NM_000245.4 (MANE Select); coding-DNA position 1477, G replaced by C.
Protein change: p.Glu493Gln; replaces glutamic acid 493 with glutamine.
Molecular consequence: missense variant.
Genome position (GRCh38, 1-based): chr7:116,740,034, G>C. VCF-style: chr7-116740034-G-C. GRCh37 (hg19) VCF-style: chr7-116380088-G-C.
Other names: c.1477G>C, p.Glu493Gln (NM_001127500.3, NM_001324401.3); c.187G>C, p.Glu63Gln (NM_001324402.2); short protein forms E493Q, E63Q.
Identifiers: ClinVar variation 524856 (VCV000524856.21), dbSNP rs965319455, ClinGen allele CA164872837.